The following is an entry in ClinVar:

NM_014991.6(WDFY3):c.3457T>G (p.Ser1153Ala)

Gene: WDFY3 (WD repeat and FYVE domain containing 3; minus strand). Cytogenetic location: 4q21.23.
Variant type: single nucleotide variant.
Coding change: c.3457T>G on transcript NM_014991.6 (MANE Select); coding-DNA position 3457, T replaced by G.
Protein change: p.Ser1153Ala; replaces serine 1153 with alanine.
Molecular consequence: missense variant.
Genome position (GRCh38, 1-based): chr4:84,794,549, A>C on the plus strand (T>G on the coding strand, the complement: WDFY3 is on the minus strand). VCF-style: chr4-84794549-A-C. GRCh37 (hg19) VCF-style: chr4-85715702-A-C.
Other names: short protein forms S1153A.
Identifiers: ClinVar variation 2672994 (VCV002672994.23), dbSNP rs148407700, ClinGen allele CA2993490.

ClinVar aggregate classification (germline): Likely benign (1 of 4 stars; one submission).

Allele frequency attached by ClinVar (database versions not stated): gnomAD exomes 0.00049; gnomAD 0.00056; TOPMed 0.00062; ExAC 0.00088; ESP Exome Variant Server 0.00131.
gnomAD v4.1: 869 of 1,613,990 alleles (0.054%); highest among the groups gnomAD compares: Non-Finnish European, 0.012%; 8 homozygotes.

Submission:

CeGaT Center for Human Genetics Tuebingen
Classification: Likely benign. Last evaluated: 2024-03-01. Review status: criteria provided, single submitter. Criteria: CeGaT Center For Human Genetics Tuebingen Variant Classification Criteria Version 2. Collection method: clinical testing. Allele origin: germline. Affected: yes. Observed: 2 variant alleles.
Comment: WDFY3: BS1